The following is an entry in ClinVar:

NM_002485.5(NBN):c.1974A>T (p.Glu658Asp)

Gene: NBN (nibrin; minus strand). Cytogenetic location: 8q21.3.
Variant type: single nucleotide variant.
Coding change: c.1974A>T on transcript NM_002485.5 (MANE Select); coding-DNA position 1974, A replaced by T.
Protein change: p.Glu658Asp; replaces glutamic acid 658 with aspartic acid.
Molecular consequence: missense variant.
Genome position (GRCh38, 1-based): chr8:89,946,236, T>A on the plus strand (A>T on the coding strand, the complement: NBN is on the minus strand). VCF-style: chr8-89946236-T-A. GRCh37 (hg19) VCF-style: chr8-90958464-T-A.
Other names: c.1728A>T, p.Glu576Asp (NM_001024688.3); short protein forms E576D, E658D.
Identifiers: ClinVar variation 2978974 (VCV002978974.3), dbSNP rs2488202511, ClinGen allele CA371676551.

ClinVar aggregate classification (germline): Uncertain significance (1 of 4 stars; one submission).

Conditions:
Microcephaly, normal intelligence and immunodeficiency (NBS). Also called: Nijmegen breakage syndrome; Microcephaly with normal intelligence immunodeficiency and lymphoreticular malignancies; Nonsyndromal microcephaly autosomal recessive with normal intelligence; Seemanova syndrome 2; Immunodeficiency, microcephaly with normal intelligence; Ataxia telangiectasia variant V1. Identifiers: Orphanet 647, MedGen C0398791, MONDO:0009623, OMIM 251260.

Submission:

Labcorp Genetics (formerly Invitae), Labcorp
Classification: Uncertain significance for Microcephaly, normal intelligence and immunodeficiency. Last evaluated: 2023-03-04. Review status: criteria provided, single submitter. Criteria: Invitae Variant Classification Sherloc (09022015). Collection method: clinical testing. Allele origin: germline.
Comment: This sequence change replaces glutamic acid, which is acidic and polar, with aspartic acid, which is acidic and polar, at codon 658 of the NBN protein (p.Glu658Asp). In summary, the available evidence is currently insufficient to determine the role of this variant in disease. Therefore, it has been classified as a Variant of Uncertain Significance. An algorithm developed to predict the effect of missense changes on protein structure and function (PolyPhen-2) suggests that this variant is likely to be disruptive. This variant has not been reported in the literature in individuals affected with NBN-related conditions. This variant is not present in population databases (gnomAD no frequency).